The following is an entry in ClinVar:

ClinVar aggregate classification (germline): Likely benign. Review status: criteria provided, multiple submitters, no conflicts (2 of 4 stars). 5 submissions from 5 submitters: Likely benign (5). Last evaluated 2026-09-01.

Conditions:
Aortic aneurysm, familial thoracic 4 (AAT4). Also called: AORTIC ANEURYSM/AORTIC DISSECTION AND PATENT DUCTUS ARTERIOSUS. Identifiers: MedGen C1851504, MONDO:0007568, OMIM 132900.
Familial thoracic aortic aneurysm and aortic dissection (TAAD). Also called: Thoracic aortic aneurysms and dissections. Identifiers: Orphanet 91387, MedGen C4707243, MONDO:0019625.

Allele frequency attached by ClinVar (database versions not stated): gnomAD 0.00001; gnomAD exomes 0.00001 and 0.00002; TOPMed 0.00002.
gnomAD v4.1: 5 of 1,614,024 alleles (0.00031%); highest among the groups gnomAD compares: Admixed American, 0.0083%; no homozygotes.

Submissions (5):

CeGaT Center for Human Genetics Tuebingen
Classification: Likely benign. Last evaluated: 2026-09-01. Review status: criteria provided, single submitter. Criteria: CeGaT Center For Human Genetics Tuebingen Variant Classification Criteria Version 2. Collection method: clinical testing. Allele origin: germline. Affected: yes. Observed: 1 variant allele.
Comment: MYH11: BP4, BP7

Ambry Genetics
Classification: Likely benign for Familial thoracic aortic aneurysm and aortic dissection. Last evaluated: 2025-10-05. Review status: criteria provided, single submitter. Criteria: Ambry Variant Classification Scheme 2023. Collection method: clinical testing. Allele origin: germline.

All of Us Research Program, National Institutes of Health
Classification: Likely benign for Familial thoracic aortic aneurysm and aortic dissection. Last evaluated: 2024-08-06. Review status: criteria provided, single submitter. Criteria: ACMG Guidelines, 2015. Collection method: clinical testing. Allele origin: germline. Inheritance: Autosomal dominant inheritance. Observed: 10 variant alleles, 10 heterozygotes.
Comment: This study involves interpretation of variants in research participants for the purpose of population health screening. Participant phenotype was not available at the time of variant classification. Additional details can be found in publication PMID: 35346344, PMCID: PMC8962531

Labcorp Genetics (formerly Invitae), Labcorp
Classification: Likely benign for Aortic aneurysm, familial thoracic 4. Last evaluated: 2023-09-22. Review status: criteria provided, single submitter. Criteria: Invitae Variant Classification Sherloc (09022015). Collection method: clinical testing. Allele origin: germline.

Color Diagnostics, LLC DBA Color Health
Classification: Likely benign for Familial thoracic aortic aneurysm and aortic dissection. Last evaluated: 2019-01-20. Review status: criteria provided, single submitter. Criteria: ACMG Guidelines, 2015. Collection method: clinical testing. Allele origin: germline.

NM_002474.3(MYH11):c.1686G>A (p.Lys562=)

Gene: MYH11 (myosin heavy chain 11; minus strand). Cytogenetic location: 16p13.11.
Variant type: single nucleotide variant.
Coding change: c.1686G>A on transcript NM_002474.3 (MANE Select); coding-DNA position 1686, G replaced by A.
Protein change: p.Lys562=; no amino-acid change (lysine 562 retained).
Molecular consequence: synonymous variant.
Genome position (GRCh38, 1-based): chr16:15,756,404, C>T on the plus strand (G>A on the coding strand, the complement: MYH11 is on the minus strand). VCF-style: chr16-15756404-C-T. GRCh37 (hg19) VCF-style: chr16-15850261-C-T.
Other names: c.1686G>A (NM_002474.2); c.1707G>A, p.Lys569= (NM_001040113.2, NM_001040114.2); c.1686G>A, p.Lys562= (NM_022844.3).
Identifiers: ClinVar variation 928332 (VCV000928332.13), dbSNP rs1033911743, ClinGen allele CA278642958.
Genomic context (GRCh38, chr16:15,756,404, plus strand): 5'-CCCAGCATAATGGATGATGGAGAACTCAGTCTTGTCCTTGAGCTGCTTGGGCTTCTGGAA[C>T]TTGGGGTGGCTGCCCTGCTCCGTGCACAGCTTCTCCACGAAAGACTTGTCCGTGGCTTTG-3'
Protein context (NP_002465.1, residues 552-572): KLCTEQGSHP[Lys562=]FQKPKQLKDK